The following is an entry in ClinVar:

NM_002691.4(POLD1):c.3115A>G (p.Lys1039Glu)

Gene: POLD1 (DNA polymerase delta 1, catalytic subunit; plus strand). Cytogenetic location: 19q13.33.
Variant type: single nucleotide variant.
Coding change: c.3115A>G on transcript NM_002691.4 (MANE Select); coding-DNA position 3115, A replaced by G.
Protein change: p.Lys1039Glu; replaces lysine 1039 with glutamic acid.
Molecular consequence: missense variant. On other transcripts: non-coding transcript variant (1).
Genome position (GRCh38, 1-based): chr19:50,417,092, A>G. VCF-style: chr19-50417092-A-G. GRCh37 (hg19) VCF-style: chr19-50920349-A-G.
Other names: c.3115A>G, p.Lys1039Glu (NM_001256849.1); c.3193A>G, p.Lys1065Glu (NM_001308632.1); short protein forms K1065E, K1039E.
Identifiers: ClinVar variation 2027358 (VCV002027358.4), dbSNP rs2514075117, ClinGen allele CA406987185.

ClinVar aggregate classification (germline): Uncertain significance (1 of 4 stars; one submission).

Conditions:
POLD1-related polyposis and colorectal cancer syndrome (CRCS10). Also called: Colorectal cancer 10; COLORECTAL CANCER, SUSCEPTIBILITY TO, ON CHROMOSOME 19q; Colorectal cancer, susceptibility to, 10. Identifiers: Orphanet 220460, MedGen C2675481, MONDO:0012953, OMIM 612591.

Allele frequency attached by ClinVar (database versions not stated): gnomAD exomes below 0.00001.
gnomAD v4.1: 1 of 1,559,554 alleles (0.000064%); highest among the groups gnomAD compares: East Asian, 0.0024%; no homozygotes.

Submission:

Labcorp Genetics (formerly Invitae), Labcorp
Classification: Uncertain significance for POLD1-related polyposis and colorectal cancer syndrome. Last evaluated: 2021-12-02. Review status: criteria provided, single submitter. Criteria: Invitae Variant Classification Sherloc (09022015). Collection method: clinical testing. Allele origin: germline.
Comment: In summary, the available evidence is currently insufficient to determine the role of this variant in disease. Therefore, it has been classified as a Variant of Uncertain Significance. Algorithms developed to predict the effect of missense changes on protein structure and function are either unavailable or do not agree on the potential impact of this missense change (SIFT: "Deleterious"; PolyPhen-2: "Benign"; Align-GVGD: "Class C0"). This variant has not been reported in the literature in individuals affected with POLD1-related conditions. This variant is not present in population databases (gnomAD no frequency). This sequence change replaces lysine, which is basic and polar, with glutamic acid, which is acidic and polar, at codon 1039 of the POLD1 protein (p.Lys1039Glu).